The following is an entry in ClinVar:

NM_016816.4(OAS1):c.914C>T (p.Thr305Ile)

Gene: OAS1 (2'-5'-oligoadenylate synthetase 1; plus strand). Cytogenetic location: 12q24.13.
Variant type: single nucleotide variant.
Coding change: c.914C>T on transcript NM_016816.4 (MANE Select); coding-DNA position 914, C replaced by T.
Protein change: p.Thr305Ile; replaces threonine 305 with isoleucine.
Molecular consequence: missense variant.
Genome position (GRCh38, 1-based): chr12:112,917,576, C>T. VCF-style: chr12-112917576-C-T. GRCh37 (hg19) VCF-style: chr12-113355381-C-T.
Other names: c.440C>T, p.Thr147Ile (NM_001406030.1, NM_001406026.1, NM_001406027.1 and 1 more transcripts); c.914C>T, p.Thr305Ile (NM_001412228.1, NM_002534.4, NM_001032409.3 and 2 more transcripts); c.890C>T, p.Thr297Ile (NM_001406020.1, NM_001406021.1, NM_001406023.1 and 2 more transcripts); short protein forms T297I, T147I, T305I.
Identifiers: ClinVar variation 1955052 (VCV001955052.5), dbSNP rs746854078, ClinGen allele CA6799942.
Genomic context (GRCh38, chr12:112,917,576, plus strand): 5'-CACCTGTCCCTCTCTAAATGCTGCTCTGCAGGCCTGTGATCCTGGACCCGGCGGACCCTA[C>T]AGGAAACTTGGGTGGTGGAGACCCAAAGGGTTGGAGGCAGCTGGCACAAGAGGCTGAGGC-3'
Protein context (NP_058132.2, residues 295-315): RPVILDPADP[Thr305Ile]GNLGGGDPKG

ClinVar aggregate classification (germline): Uncertain significance (1 of 4 stars; one submission).

Allele frequency attached by ClinVar (database versions not stated): gnomAD 0.00001; TOPMed 0.00001; ExAC 0.00002.
gnomAD v4.1: 14 of 1,614,074 alleles (0.00087%); highest among the groups gnomAD compares: Non-Finnish European, 0.0012%; no homozygotes.

Submission:

Labcorp Genetics (formerly Invitae), Labcorp
Classification: Uncertain significance. Last evaluated: 2022-08-17. Review status: criteria provided, single submitter. Criteria: Invitae Variant Classification Sherloc (09022015). Collection method: clinical testing. Allele origin: germline.
Comment: This variant has not been reported in the literature in individuals affected with OAS1-related conditions. In summary, the available evidence is currently insufficient to determine the role of this variant in disease. Therefore, it has been classified as a Variant of Uncertain Significance. Algorithms developed to predict the effect of missense changes on protein structure and function are either unavailable or do not agree on the potential impact of this missense change (SIFT: "Not Available"; PolyPhen-2: "Probably Damaging"; Align-GVGD: "Not Available"). This variant is present in population databases (rs746854078, gnomAD 0.003%). This sequence change replaces threonine, which is neutral and polar, with isoleucine, which is neutral and non-polar, at codon 305 of the OAS1 protein (p.Thr305Ile).